The following is an entry in ClinVar:

ClinVar aggregate classification (germline): Benign/Likely benign. Review status: criteria provided, multiple submitters, no conflicts (2 of 4 stars). 4 submissions from 4 submitters: Benign (2); Likely benign (2). Last evaluated 2026-02-02.

Conditions:
Nemaline myopathy 10 (NEM10). Identifiers: MedGen C4015360, MONDO:0014513, OMIM 616165.

Allele frequency attached by ClinVar (database versions not stated): gnomAD 0.01235 and 0.01345; 1000 Genomes Project 0.01358; ESP Exome Variant Server 0.01397; TOPMed 0.01439; 1000 Genomes Project 30x 0.01530.
gnomAD v4.1: 3,848 of 1,600,788 alleles (0.24%); highest among the groups gnomAD compares: African/African-American, 4.3%; 75 homozygotes.

Submissions (4):

Labcorp Genetics (formerly Invitae), Labcorp
Classification: Benign for Nemaline myopathy 10. Last evaluated: 2026-02-02. Review status: criteria provided, single submitter. Criteria: Invitae Variant Classification Sherloc (09022015). Collection method: clinical testing. Allele origin: germline.

Mayo Clinic Laboratories, Mayo Clinic
Classification: Benign. Last evaluated: 2023-12-05. Review status: criteria provided, single submitter. Criteria: ACMG Guidelines, 2015. Collection method: clinical testing. Allele origin: germline. Observed: 4 variant alleles.
Comment: BS1, BS2, BP4

GeneDx
Classification: Likely benign. Last evaluated: 2020-12-07. Review status: criteria provided, single submitter. Criteria: GeneDx Variant Classification Process June 2021. Collection method: clinical testing. Allele origin: germline. Affected: yes.

Breakthrough Genomics
Classification: Likely benign. Review status: criteria provided, single submitter. Criteria: ACMG Guidelines, 2015. Collection method: not provided. Allele origin: germline. Inheritance: Autosomal recessive inheritance. Affected: yes.

NM_198271.5(LMOD3):c.1679C>T (p.Ala560Val)

Gene: LMOD3 (leiomodin 3; minus strand). Cytogenetic location: 3p14.1.
Variant type: single nucleotide variant.
Coding change: c.1679C>T on transcript NM_198271.5 (MANE Select); coding-DNA position 1679, C replaced by T.
Protein change: p.Ala560Val; replaces alanine 560 with valine.
Molecular consequence: missense variant.
Genome position (GRCh38, 1-based): chr3:69,109,099, G>A on the plus strand (C>T on the coding strand, the complement: LMOD3 is on the minus strand). VCF-style: chr3-69109099-G-A. GRCh37 (hg19) VCF-style: chr3-69158250-G-A.
Other names: p.Ala560Val; c.1679C>T, p.Ala560Val (NM_001304418.3); short protein forms A560V.
Identifiers: ClinVar variation 475312 (VCV000475312.16), dbSNP rs17005363, ClinGen allele CA2488685.